The following is an entry in ClinVar:

NM_001127464.1:c.1171_1175del

Gene: ZNF469 (zinc finger protein 469; plus strand).
Variant type: Deletion.
Identifiers: ClinVar variation 4075502 (VCV004075502.1).

ClinVar aggregate classification (germline): Pathogenic (1 of 4 stars; one submission).

Submission:

GeneDx
Classification: Pathogenic. Last evaluated: 2025-02-13. Review status: criteria provided, single submitter. Criteria: GeneDx Variant Classification Process June 2021. Collection method: clinical testing. Allele origin: germline. Affected: yes.
Comment: Frameshift variant predicted to result in protein truncation or nonsense mediated decay in a gene for which loss of function is a known mechanism of disease; Not observed at significant frequency in large population cohorts (gnomAD); Has not been previously published as pathogenic or benign to our knowledge